The following is an entry in ClinVar:

NM_001287.6(CLCN7):c.613G>A (p.Gly205Arg)

Gene: CLCN7 (Cl-/H+ antiporter 7; minus strand). Cytogenetic location: 16p13.3.
Variant type: single nucleotide variant.
Coding change: c.613G>A on transcript NM_001287.6 (MANE Select); coding-DNA position 613, G replaced by A.
Protein change: p.Gly205Arg; replaces glycine 205 with arginine.
Molecular consequence: missense variant.
Genome position (GRCh38, 1-based): chr16:1,459,169, C>T on the plus strand (G>A on the coding strand, the complement: CLCN7 is on the minus strand). VCF-style: chr16-1459169-C-T. GRCh37 (hg19) VCF-style: chr16-1509170-C-T.
Other names: c.541G>A, p.Gly181Arg (NM_001114331.3); short protein forms G181R, G205R.
Identifiers: ClinVar variation 4799213 (VCV004799213.1).
Genomic context (GRCh38, chr16:1,459,169, plus strand): 5'-TGAGCCGCACCACGTGGGGGATCTTCACCCCGTTGAGGAAGCACTTGATCTGGGGGATTC[C>T]GCTGCCAGCAGCCACCGGCTGAAAGAGGGGAAGCACGGCTGAGTGGGTCACGGCCAGGCT-3'
Protein context (NP_001278.1, residues 195-215): AFIEPVAAGS[Gly205Arg]IPQIKCFLNG

ClinVar aggregate classification (germline): Uncertain significance (1 of 4 stars; one submission).

Submission:

Labcorp Genetics (formerly Invitae), Labcorp
Classification: Uncertain significance. Last evaluated: 2025-10-14. Review status: criteria provided, single submitter. Criteria: Invitae Variant Classification Sherloc (09022015). Collection method: clinical testing. Allele origin: germline.
Comment: This sequence change replaces glycine, which is neutral and non-polar, with arginine, which is basic and polar, at codon 205 of the CLCN7 protein (p.Gly205Arg). This variant is present in population databases (no rsID available, gnomAD 0.009%). This variant has not been reported in the literature in individuals affected with CLCN7-related conditions. Invitae Evidence Modeling of protein sequence and biophysical properties (such as structural, functional, and spatial information, amino acid conservation, physicochemical variation, residue mobility, and thermodynamic stability) indicates that this missense variant is expected to disrupt CLCN7 protein function with a positive predictive value of 95%. In summary, the available evidence is currently insufficient to determine the role of this variant in disease. Therefore, it has been classified as a Variant of Uncertain Significance.